The following is an entry in ClinVar:

NM_000077.5(CDKN2A):c.381_391del (p.Tyr129fs)

Gene: CDKN2A (cyclin dependent kinase inhibitor 2A; minus strand). Cytogenetic location: 9p21.3.
Variant type: Deletion.
Coding change: c.381_391del on transcript NM_000077.5; coding-DNA positions 381 to 391, 11 bases deleted (ACGGTACCTGC).
Protein change: p.Tyr129fs; shifts the reading frame from tyrosine 129.
Molecular consequence: frameshift variant (on NM_000077.6). On other transcripts: 3 prime UTR variant (2).
Genome position (GRCh38, 1-based): chr9:21,970,968-21,970,978, GCAGGTACCGT deleted on the plus strand (ACGGTACCTGC on the coding strand, the reverse complement: CDKN2A is on the minus strand); deleting any 11 consecutive bases within chr9:21,970,968-21,970,980 gives the same sequence; the c. name uses the placement nearest the transcript's 3' end. VCF-style (leftmost placement, unchanged base first): chr9-21970967-CGCAGGTACCGT-C. GRCh37 (hg19) VCF-style: chr9-21970966-CGCAGGTACCGT-C.
Other names: c.379_389delGCACGGTACCT, p.Tyr129Glyfs (NM_000077.6); c.381_391del, p.Tyr129fs (NM_001195132.2); c.228_238del, p.Tyr78fs (NM_001363763.2); c.*25_*35del (NM_058195.4); c.*304_*314del (NM_058197.5); short protein forms Y129fs, Y78fs.
Identifiers: ClinVar variation 2769701 (VCV002769701.3), dbSNP rs2489273553, ClinGen allele CA2697557694.

ClinVar aggregate classification (germline): Pathogenic (1 of 4 stars; one submission).

Conditions:
Familial melanoma. Also called: Hereditary melanoma; Hereditary cutaneous melanoma. Identifiers: Orphanet 618, MedGen C1512419, MONDO:0018961.

Submission:

Labcorp Genetics (formerly Invitae), Labcorp
Classification: Pathogenic for Familial melanoma. Last evaluated: 2023-10-18. Review status: criteria provided, single submitter. Criteria: Invitae Variant Classification Sherloc (09022015). Collection method: clinical testing. Allele origin: germline.
Comment: This sequence change creates a premature translational stop signal (p.Tyr129Glyfs*9) in the CDKN2A (p16INK4a) gene. While this is not anticipated to result in nonsense mediated decay, it is expected to disrupt the last 28 amino acid(s) of the CDKN2A (p16INK4a) protein. This variant is not present in population databases (gnomAD no frequency). This variant has not been reported in the literature in individuals affected with CDKN2A (p16INK4a)-related conditions. This variant disrupts a region of the CDKN2A (p16INK4a) protein in which other variant(s) (p.Asp153Tyr) have been determined to be pathogenic (PMID: 10627132, 12853981, 14508519, 16905682, 20539244). This suggests that this is a clinically significant region of the protein, and that variants that disrupt it are likely to be disease-causing. For these reasons, this variant has been classified as Pathogenic.

Literature cited by the submitters: PubMed 10627132; PubMed 12853981; PubMed 14508519; PubMed 16905682; PubMed 20539244.